The following is an entry in ClinVar:

ClinVar aggregate classification (germline): Uncertain significance (1 of 4 stars; one submission).

Conditions:
Hereditary cancer-predisposing syndrome. Also called: Hereditary neoplastic syndrome; Neoplastic Syndromes, Hereditary; Tumor predisposition; Hereditary Cancer Syndrome. Identifiers: Orphanet 140162, MedGen C0027672, MeSH D009386, MONDO:0015356.

Submission:

Ambry Genetics
Classification: Uncertain significance for Hereditary cancer-predisposing syndrome. Last evaluated: 2025-09-04. Review status: criteria provided, single submitter. Criteria: Ambry Variant Classification Scheme 2023. Collection method: clinical testing. Allele origin: germline.
Comment: The p.P162T variant (also known as c.484C>A), located in coding exon 3 of the PTCH1 gene, results from a C to A substitution at nucleotide position 484. The proline at codon 162 is replaced by threonine, an amino acid with highly similar properties. This amino acid position is highly conserved in available vertebrate species. In addition, this alteration is predicted to be deleterious by in silico analysis. Based on the available evidence, the clinical significance of this variant remains unclear.

NM_000264.5(PTCH1):c.484C>A (p.Pro162Thr)

Gene: PTCH1 (patched 1; minus strand). Cytogenetic location: 9q22.32.
Variant type: single nucleotide variant.
Coding change: c.484C>A on transcript NM_000264.5 (MANE Select); coding-DNA position 484, C replaced by A.
Protein change: p.Pro162Thr; replaces proline 162 with threonine.
Molecular consequence: missense variant. On other transcripts: non-coding transcript variant (1).
Genome position (GRCh38, 1-based): chr9:95,485,785, G>T on the plus strand (C>A on the coding strand, the complement: PTCH1 is on the minus strand). VCF-style: chr9-95485785-G-T. GRCh37 (hg19) VCF-style: chr9-98248067-G-T.
Other names: c.286C>A, p.Pro96Thr (NM_001083602.3, NM_001354919.2); c.481C>A, p.Pro161Thr (NM_001083603.3); c.31C>A, p.Pro11Thr (NM_001083604.3, NM_001083605.3, NM_001083606.3 and 1 more transcripts); c.484C>A, p.Pro162Thr (NM_001354918.2); short protein forms P96T, P162T, P161T, P11T.
Identifiers: ClinVar variation 4146900 (VCV004146900.1).
Genomic context (GRCh38, chr9:95,485,785, plus strand): 5'-CCGAGTCCAGGTGTTGTAGGAGCGCTTCTGTGGTCAGGACATTAGCACCTTCTTCTTTAG[G>T]GGTCTGTATCATGAGTTGAGGATTAAACATAGCCTCTTCTCCAATCTTCTGGCGAGTATA-3'
Protein context (NP_000255.2, residues 152-172): MFNPQLMIQT[Pro162Thr]KEEGANVLTT